The following is an entry in ClinVar:

ClinVar aggregate classification (germline): Conflicting classifications of pathogenicity. Review status: criteria provided, conflicting classifications (1 of 4 stars). 3 submissions from 3 submitters: Uncertain significance (1); Likely benign (2). Last evaluated 2026-05-21.

Conditions:
Hereditary cancer-predisposing syndrome. Also called: Tumor predisposition; Hereditary Cancer Syndrome; Neoplastic Syndromes, Hereditary; Hereditary neoplastic syndrome. Identifiers: Orphanet 140162, MedGen C0027672, MeSH D009386, MONDO:0015356.
Hereditary breast ovarian cancer syndrome. Also called: Hereditary breast and ovarian cancer; Hereditary breast and ovarian cancer syndrome (HBOC); Hereditary breast and ovarian cancer syndrome; Breast and ovarian cancer; Hereditary breast and/or ovarian cancer syndrome; BRCA1- and BRCA2-Associated Hereditary Breast and Ovarian Cancer. Identifiers: Orphanet 145, MedGen C0677776, MeSH D061325, MONDO:0003582. Disease mechanism: loss of function.

Allele frequency attached by ClinVar (database versions not stated): gnomAD exomes below 0.00001.

Submissions (3):

Ambry Genetics
Classification: Likely benign for Hereditary cancer-predisposing syndrome. Last evaluated: 2026-05-21. Review status: criteria provided, single submitter. Criteria: Ambry Variant Classification Scheme 2023. Collection method: clinical testing. Allele origin: germline.

University of Washington Department of Laboratory Medicine, University of Washington
Classification: Likely benign for Hereditary cancer-predisposing syndrome. Last evaluated: 2023-03-23. Review status: criteria provided, single submitter. Criteria: Dines et al. (Genet Med. 2020). Collection method: curation. Allele origin: germline.
Comment: Missense variant in a coldspot region where missense variants are very unlikely to be pathogenic (PMID:31911673).

BRCA2 exon 11 coldspot. Reclassification based on statistical prior probability.

Labcorp Genetics (formerly Invitae), Labcorp
Classification: Uncertain significance for Hereditary breast ovarian cancer syndrome. Last evaluated: 2018-04-16. Review status: criteria provided, single submitter. Criteria: Invitae Variant Classification Sherloc (09022015). Collection method: clinical testing. Allele origin: germline.
Comment: This variant has not been reported in the literature in individuals with BRCA2-related disease. In summary, the available evidence is currently insufficient to determine the role of this variant in disease. Therefore, it has been classified as a Variant of Uncertain Significance. Algorithms developed to predict the effect of missense changes on protein structure and function output the following: SIFT: "Tolerated"; PolyPhen-2: "Benign"; Align-GVGD: "Class C0". The serine amino acid residue is found in multiple mammalian species, suggesting that this missense change does not adversely affect protein function. These predictions have not been confirmed by published functional studies and their clinical significance is uncertain. This variant is not present in population databases (ExAC no frequency). This sequence change replaces proline with serine at codon 2096 of the BRCA2 protein (p.Pro2096Ser). The proline residue is weakly conserved and there is a moderate physicochemical difference between proline and serine.

NM_000059.4(BRCA2):c.6286C>T (p.Pro2096Ser)

Gene: BRCA2 (BRCA2 DNA repair associated; plus strand). Cytogenetic location: 13q13.1.
Variant type: single nucleotide variant.
Coding change: c.6286C>T on transcript NM_000059.4 (MANE Select); coding-DNA position 6286, C replaced by T.
Protein change: p.Pro2096Ser; replaces proline 2096 with serine.
Molecular consequence: missense variant.
Genome position (GRCh38, 1-based): chr13:32,340,641, C>T. VCF-style: chr13-32340641-C-T. GRCh37 (hg19) VCF-style: chr13-32914778-C-T.
Other names: short protein forms P2096S.
Identifiers: ClinVar variation 577375 (VCV000577375.14), dbSNP rs1309257585, ClinGen allele CA387789004.